The following is an entry in ClinVar:

NM_015627.3(LDLRAP1):c.844C>G (p.His282Asp)

Gene: LDLRAP1 (low density lipoprotein receptor adaptor protein 1; plus strand). Cytogenetic location: 1p36.11.
Variant type: single nucleotide variant.
Coding change: c.844C>G on transcript NM_015627.3 (MANE Select); coding-DNA position 844, C replaced by G.
Protein change: p.His282Asp; replaces histidine 282 with aspartic acid.
Molecular consequence: missense variant.
Genome position (GRCh38, 1-based): chr1:25,566,909, C>G. VCF-style: chr1-25566909-C-G. GRCh37 (hg19) VCF-style: chr1-25893400-C-G.
Other names: short protein forms H282D.
Identifiers: ClinVar variation 3290415 (VCV003290415.1).

ClinVar aggregate classification (germline): Uncertain significance (1 of 4 stars; one submission).

Conditions:
Cardiovascular phenotype. Identifiers: MedGen CN230736.

Submission:

Ambry Genetics
Classification: Uncertain significance for Cardiovascular phenotype. Last evaluated: 2024-03-24. Review status: criteria provided, single submitter. Criteria: Ambry Variant Classification Scheme 2023. Collection method: clinical testing. Allele origin: germline.
Comment: The p.H282D variant (also known as c.844C>G), located in coding exon 9 of the LDLRAP1 gene, results from a C to G substitution at nucleotide position 844. The histidine at codon 282 is replaced by aspartic acid, an amino acid with similar properties. This amino acid position is conserved. In addition, this alteration is predicted to be tolerated by in silico analysis. Based on the available evidence, the clinical significance of this alteration remains unclear.